The following is an entry in ClinVar:

ClinVar aggregate classification (germline): Conflicting classifications of pathogenicity. Review status: criteria provided, conflicting classifications (1 of 4 stars). 4 submissions from 4 submitters: Uncertain significance (1); Likely benign (2). 1 of the submissions does not count toward it. Last evaluated 2025-08-18.

Conditions:
LAMA2-related muscular dystrophy (LAMA2-RD). Also called: Laminin alpha 2-related dystrophy. Identifiers: MedGen C5679788, MONDO:0100228.
LAMA2-related disorder. Also called: LAMA2-related disorders; LAMA2-related condition.
Congenital muscular dystrophy due to partial LAMA2 deficiency. Identifiers: MedGen C1842898.

Allele frequency attached by ClinVar (database versions not stated): gnomAD exomes 0.00001 and 0.00002; ExAC 0.00002; TOPMed 0.00002; gnomAD 0.00003.
gnomAD v4.1: 28 of 1,608,918 alleles (0.0017%); highest among the groups gnomAD compares: African/African-American, 0.0027%; no homozygotes.

Submissions (4):

Labcorp Genetics (formerly Invitae), Labcorp
Classification: Likely benign for LAMA2-related muscular dystrophy. Last evaluated: 2025-08-18. Review status: criteria provided, single submitter. Criteria: Invitae Variant Classification Sherloc (09022015). Collection method: clinical testing. Allele origin: germline.

Blueprint Genetics
Classification: Likely benign. Last evaluated: 2023-07-07. Review status: criteria provided, single submitter. Criteria: ACMG Guidelines, 2015. Collection method: clinical testing. Allele origin: germline.

Illumina Laboratory Services, Illumina
Classification: Uncertain significance for Congenital muscular dystrophy due to partial LAMA2 deficiency. Last evaluated: 2018-01-13. Review status: criteria provided, single submitter. Criteria: ICSL Variant Classification Criteria 13 December 2019. Collection method: clinical testing. Allele origin: germline.

PreventionGenetics, part of Exact Sciences
Classification: Likely benign for LAMA2-related condition. Last evaluated: 2019-07-29. Review status: no assertion criteria provided. Collection method: clinical testing. Allele origin: germline. Not counted in ClinVar's aggregate classification.
Comment: This variant is classified as likely benign based on ACMG/AMP sequence variant interpretation guidelines (Richards et al. 2015 PMID: 25741868, with internal and published modifications).

NM_000426.4(LAMA2):c.6429+10T>G

Gene: LAMA2 (laminin subunit alpha 2; plus strand). Cytogenetic location: 6q22.33.
Variant type: single nucleotide variant.
Coding change: c.6429+10T>G on transcript NM_000426.4 (MANE Select); 10 bases into the intron after coding-DNA position 6429, T replaced by G.
Molecular consequence: intron variant.
Genome position (GRCh38, 1-based): chr6:129,445,831, T>G. VCF-style: chr6-129445831-T-G. GRCh37 (hg19) VCF-style: chr6-129766976-T-G.
Other names: c.6429+10T>G (NM_001079823.2).
Identifiers: ClinVar variation 355288 (VCV000355288.18), dbSNP rs770063449, ClinGen allele CA3994255.